The following is an entry in ClinVar:

NM_015354.3(NUP188):c.1743G>A (p.Ser581=)

Gene: NUP188 (nucleoporin 188; plus strand). Cytogenetic location: 9q34.11.
Variant type: single nucleotide variant.
Coding change: c.1743G>A on transcript NM_015354.3 (MANE Select); coding-DNA position 1743, G replaced by A.
Protein change: p.Ser581=; no amino-acid change (serine 581 retained).
Molecular consequence: synonymous variant.
Genome position (GRCh38, 1-based): chr9:128,982,975, G>A. VCF-style: chr9-128982975-G-A. GRCh37 (hg19) VCF-style: chr9-131745254-G-A.
Other names: c.1743G>A (NM_015354.2).
Identifiers: ClinVar variation 3025487 (VCV003025487.23), dbSNP rs148151804, ClinGen allele CA5272427.
Genomic context (GRCh38, chr9:128,982,975, plus strand): 5'-CTGCCAGCGAGTCAAACCCATCATTGATCTCGTCCATAAGGTCATCAGTACAGACCTGTC[G>A]ATAGCAGACTGTCTCCTGCCCATCACATCTCGCATCTACATGCTGCTGCAGCGGTGAGTC-3'
Protein context (NP_056169.1, residues 571-591): LVHKVISTDL[Ser581=]IADCLLPITS

ClinVar aggregate classification (germline): Likely benign. Review status: criteria provided, single submitter (1 of 4 stars). 2 submissions from 2 submitters: Likely benign (1). 1 of the submissions does not count toward it. Last evaluated 2024-02-01.

Conditions:
NUP188-related disorder. Also called: NUP188-related condition.

Allele frequency attached by ClinVar (database versions not stated): gnomAD 0.00008; 1000 Genomes Project 30x 0.00016; 1000 Genomes Project 0.00020; ExAC 0.00035.
gnomAD v4.1: 128 of 1,614,114 alleles (0.0079%); highest among the groups gnomAD compares: East Asian, 0.23%; no homozygotes.

Submissions (2):

CeGaT Center for Human Genetics Tuebingen
Classification: Likely benign. Last evaluated: 2024-02-01. Review status: criteria provided, single submitter. Criteria: CeGaT Center For Human Genetics Tuebingen Variant Classification Criteria Version 2. Collection method: clinical testing. Allele origin: germline. Affected: yes. Observed: 1 variant allele.
Comment: NUP188: BP4, BP7

PreventionGenetics, part of Exact Sciences
Classification: Likely benign for NUP188-related condition. Last evaluated: 2019-09-18. Review status: no assertion criteria provided. Collection method: clinical testing. Allele origin: germline. Not counted in ClinVar's aggregate classification.
Comment: This variant is classified as likely benign based on ACMG/AMP sequence variant interpretation guidelines (Richards et al. 2015 PMID: 25741868, with internal and published modifications).